The following is an entry in ClinVar:

NM_003718.5(CDK13):c.254C>T (p.Pro85Leu)

Genes: CDK13 (cyclin dependent kinase 13; plus strand), LOC129998292 (ATAC-STARR-seq lymphoblastoid silent region 18115; plus strand). Cytogenetic location: 7p14.1.
Variant type: single nucleotide variant.
Coding change: c.254C>T on transcript NM_003718.5 (MANE Select); coding-DNA position 254, C replaced by T.
Protein change: p.Pro85Leu; replaces proline 85 with leucine.
Molecular consequence: missense variant.
Genome position (GRCh38, 1-based): chr7:39,950,895, C>T. VCF-style: chr7-39950895-C-T. GRCh37 (hg19) VCF-style: chr7-39990494-C-T.
Other names: c.254C>T, p.Pro85Leu (NM_031267.4); short protein forms P85L.
Identifiers: ClinVar variation 3664714 (VCV003664714.2).

ClinVar aggregate classification (germline): Uncertain significance (1 of 4 stars; one submission).

gnomAD v4.1: 2 of 1,345,706 alleles (0.00015%); highest among the groups gnomAD compares: Non-Finnish European, 0.00019%; no homozygotes.

Submission:

Labcorp Genetics (formerly Invitae), Labcorp
Classification: Uncertain significance. Last evaluated: 2025-08-28. Review status: criteria provided, single submitter. Criteria: Invitae Variant Classification Sherloc (09022015). Collection method: clinical testing. Allele origin: germline.
Comment: This sequence change replaces proline, which is neutral and non-polar, with leucine, which is neutral and non-polar, at codon 85 of the CDK13 protein (p.Pro85Leu). This variant is not present in population databases (gnomAD no frequency). This variant has not been reported in the literature in individuals affected with CDK13-related conditions. ClinVar contains an entry for this variant (Variation ID: 3664714). Invitae Evidence Modeling of protein sequence and biophysical properties (such as structural, functional, and spatial information, amino acid conservation, physicochemical variation, residue mobility, and thermodynamic stability) indicates that this missense variant is not expected to disrupt CDK13 protein function with a negative predictive value of 95%. In summary, the available evidence is currently insufficient to determine the role of this variant in disease. Therefore, it has been classified as a Variant of Uncertain Significance.